The following is an entry in ClinVar:

ClinVar aggregate classification (germline): Likely benign (1 of 4 stars; one submission).

Submission:

CeGaT Center for Human Genetics Tuebingen
Classification: Likely benign. Last evaluated: 2026-09-01. Review status: criteria provided, single submitter. Criteria: CeGaT Center For Human Genetics Tuebingen Variant Classification Criteria Version 2. Collection method: clinical testing. Allele origin: germline. Affected: yes. Observed: 1 variant allele.
Comment: TET3: BP4, BP7

NM_001287491.2(TET3):c.639T>C (p.Tyr213=)

Gene: TET3 (tet methylcytosine dioxygenase 3; plus strand). Cytogenetic location: 2p13.1.
Variant type: single nucleotide variant.
Coding change: c.639T>C on transcript NM_001287491.2 (MANE Select); coding-DNA position 639, T replaced by C.
Protein change: p.Tyr213=; no amino-acid change (tyrosine 213 retained).
Molecular consequence: synonymous variant.
Genome position (GRCh38, 1-based): chr2:74,046,556, T>C. VCF-style: chr2-74046556-T-C. GRCh37 (hg19) VCF-style: chr2-74273683-T-C.
Other names: c.360T>C, p.Tyr120= (NM_001366022.1).
Identifiers: ClinVar variation 5040880 (VCV005040880.1).
Genomic context (GRCh38, chr2:74,046,556, plus strand): 5'-CCTGGAAGATGCCCACGATCTGGTGGCCTTTTCGGCTGTGGCCGAAGCTGTGTCCTCTTA[T>C]GGGGCCCTTAGCACCCGGCTCTATGAAACCTTCAACCGTGAGATGAGTCGTGAGGCTGGG-3'
Protein context (NP_001274420.1, residues 203-223): FSAVAEAVSS[Tyr213=]GALSTRLYET